The following is an entry in ClinVar:

ClinVar aggregate classification (germline): Uncertain significance (1 of 4 stars; one submission).

Allele frequency attached by ClinVar (database versions not stated): TOPMed 0.00001.
gnomAD v4.1: 49 of 1,612,388 alleles (0.003%); highest among the groups gnomAD compares: African/African-American, 0.004%; no homozygotes.

Submission:

Labcorp Genetics (formerly Invitae), Labcorp
Classification: Uncertain significance. Last evaluated: 2022-07-19. Review status: criteria provided, single submitter. Criteria: Invitae Variant Classification Sherloc (09022015). Collection method: clinical testing. Allele origin: germline.
Comment: This sequence change replaces tryptophan, which is neutral and slightly polar, with leucine, which is neutral and non-polar, at codon 814 of the SKIV2L protein (p.Trp814Leu). This variant is present in population databases (rs573416738, gnomAD 0.002%). This variant has not been reported in the literature in individuals affected with SKIV2L-related conditions. ClinVar contains an entry for this variant (Variation ID: 1351229). Algorithms developed to predict the effect of missense changes on protein structure and function (SIFT, PolyPhen-2, Align-GVGD) all suggest that this variant is likely to be tolerated. In summary, the available evidence is currently insufficient to determine the role of this variant in disease. Therefore, it has been classified as a Variant of Uncertain Significance.

NM_006929.5(SKIC2):c.2441G>T (p.Trp814Leu)

Gene: SKIC2 (SKI2 subunit of superkiller complex; plus strand). Cytogenetic location: 6p21.33.
Variant type: single nucleotide variant.
Coding change: c.2441G>T on transcript NM_006929.5 (MANE Select); coding-DNA position 2441, G replaced by T.
Protein change: p.Trp814Leu; replaces tryptophan 814 with leucine.
Molecular consequence: missense variant.
Genome position (GRCh38, 1-based): chr6:31,967,104, G>T. VCF-style: chr6-31967104-G-T. GRCh37 (hg19) VCF-style: chr6-31934881-G-T.
Other names: short protein forms W814L.
Identifiers: ClinVar variation 1351229 (VCV001351229.5), dbSNP rs573416738, ClinGen allele CA136912587.